The following is an entry in ClinVar:

ClinVar aggregate classification (germline): Uncertain significance (1 of 4 stars; one submission).

gnomAD v4.1: 2 of 1,613,916 alleles (0.00012%); highest among the groups gnomAD compares: Non-Finnish European, 0.00017%; no homozygotes.

Submission:

Labcorp Genetics (formerly Invitae), Labcorp
Classification: Uncertain significance. Last evaluated: 2024-11-27. Review status: criteria provided, single submitter. Criteria: Invitae Variant Classification Sherloc (09022015). Collection method: clinical testing. Allele origin: germline.
Comment: This sequence change replaces glutamine, which is neutral and polar, with arginine, which is basic and polar, at codon 826 of the DNA2 protein (p.Gln826Arg). This variant is not present in population databases (gnomAD no frequency). This variant has not been reported in the literature in individuals affected with DNA2-related conditions. Invitae Evidence Modeling of protein sequence and biophysical properties (such as structural, functional, and spatial information, amino acid conservation, physicochemical variation, residue mobility, and thermodynamic stability) indicates that this missense variant is expected to disrupt DNA2 protein function with a positive predictive value of 80%. In summary, the available evidence is currently insufficient to determine the role of this variant in disease. Therefore, it has been classified as a Variant of Uncertain Significance.

NM_001080449.3(DNA2):c.2477A>G (p.Gln826Arg)

Gene: DNA2 (DNA replication helicase/nuclease 2; minus strand). Cytogenetic location: 10q21.3.
Variant type: single nucleotide variant.
Coding change: c.2477A>G on transcript NM_001080449.3 (MANE Select); coding-DNA position 2477, A replaced by G.
Protein change: p.Gln826Arg; replaces glutamine 826 with arginine.
Molecular consequence: missense variant. On other transcripts: non-coding transcript variant (1).
Genome position (GRCh38, 1-based): chr10:68,422,530, T>C on the plus strand (A>G on the coding strand, the complement: DNA2 is on the minus strand). VCF-style: chr10-68422530-T-C. GRCh37 (hg19) VCF-style: chr10-70182287-T-C.
Other names: short protein forms Q826R.
Identifiers: ClinVar variation 3680415 (VCV003680415.2).